The following is an entry in ClinVar:

ClinVar aggregate classification (germline): Uncertain significance. Review status: criteria provided, multiple submitters, no conflicts (2 of 4 stars). 2 submissions from 2 submitters: Uncertain significance (2). Last evaluated 2025-03-10.

Conditions:
Inborn genetic diseases. Identifiers: MedGen C0950123, MeSH D030342.

gnomAD v4.1: 1 of 1,610,574 alleles (0.000062%); no homozygotes.

Submissions (2):

Labcorp Genetics (formerly Invitae), Labcorp
Classification: Uncertain significance. Last evaluated: 2025-03-10. Review status: criteria provided, single submitter. Criteria: Invitae Variant Classification Sherloc (09022015). Collection method: clinical testing. Allele origin: germline.
Comment: This sequence change replaces serine, which is neutral and polar, with glycine, which is neutral and non-polar, at codon 528 of the HSPG2 protein (p.Ser528Gly). This variant is not present in population databases (gnomAD no frequency). This variant has not been reported in the literature in individuals affected with HSPG2-related conditions. An algorithm developed to predict the effect of missense changes on protein structure and function (PolyPhen-2) suggests that this variant is likely to be tolerated. In summary, the available evidence is currently insufficient to determine the role of this variant in disease. Therefore, it has been classified as a Variant of Uncertain Significance.

Ambry Genetics
Classification: Uncertain significance for Inborn genetic diseases. Last evaluated: 2025-02-07. Review status: criteria provided, single submitter. Criteria: Ambry Variant Classification Scheme 2023. Collection method: clinical testing. Allele origin: germline.

NM_005529.7(HSPG2):c.1582A>G (p.Ser528Gly)

Gene: HSPG2 (heparan sulfate proteoglycan 2; minus strand). Cytogenetic location: 1p36.12.
Variant type: single nucleotide variant.
Coding change: c.1582A>G on transcript NM_005529.7 (MANE Select); coding-DNA position 1582, A replaced by G.
Protein change: p.Ser528Gly; replaces serine 528 with glycine.
Molecular consequence: missense variant.
Genome position (GRCh38, 1-based): chr1:21,884,600, T>C on the plus strand (A>G on the coding strand, the complement: HSPG2 is on the minus strand). VCF-style: chr1-21884600-T-C. GRCh37 (hg19) VCF-style: chr1-22211093-T-C.
Other names: c.1585A>G, p.Ser529Gly (NM_001291860.2); short protein forms S529G, S528G.
Identifiers: ClinVar variation 3859000 (VCV003859000.2).